The following is an entry in ClinVar:

NM_000346.4(SOX9):c.1437dup (p.Ile480fs)

Gene: SOX9 (SRY-box transcription factor 9; plus strand). Cytogenetic location: 17q24.3.
Variant type: Duplication.
Coding change: c.1437dup on transcript NM_000346.4 (MANE Select); coding-DNA position 1437, one base duplicated (C; older notation c.1437dupC).
Protein change: p.Ile480fs; shifts the reading frame from isoleucine 480.
Molecular consequence: frameshift variant.
Genome position (GRCh38, 1-based): chr17:72,124,294, C duplicated; the last of 5 consecutive C bases (chr17:72,124,290-72,124,294); duplicating any one gives the same sequence. VCF-style (leftmost placement, unchanged base first): chr17-72124289-A-AC. GRCh37 (hg19) VCF-style: chr17-70120430-A-AC.
Other names: c.1437dupC (NM_000346.3); short protein forms I480fs.
Identifiers: ClinVar variation 3011154 (VCV003011154.4), dbSNP rs2509627503, ClinGen allele CA2740093909.

ClinVar aggregate classification (germline): Pathogenic/Likely pathogenic. Review status: criteria provided, multiple submitters, no conflicts (2 of 4 stars). 2 submissions from 2 submitters: Pathogenic (1); Likely pathogenic (1). Last evaluated 2025-07-04.

Conditions:
Camptomelic dysplasia (CMPD). Also called: Campomelic Dysplasia; CMPD1/SRA1. Identifiers: Orphanet 140, MedGen C1861922, MONDO:0007251, OMIM 114290.
SOX9-related disorder. Also called: SOX9-related condition.

Submissions (2):

PreventionGenetics, part of Exact Sciences
Classification: Likely pathogenic for SOX9-related condition. Last evaluated: 2025-07-04. Review status: criteria provided, single submitter. Criteria: ACMG Guidelines, 2015. Collection method: clinical testing. Allele origin: germline.
Comment: The SOX9 c.1437dupC variant is predicted to result in a frameshift and premature protein termination (p.Ile480Hisfs*98). To our knowledge, this variant has not been reported in the literature or in a large population database (gnomAD), indicating this variant is rare. Frameshift variants in SOX9 are expected to be pathogenic; however, this variant is within the last exon of the gene and is not expected to result in protein truncation rather protein extension. This variant is interpreted as likely pathogenic.

Labcorp Genetics (formerly Invitae), Labcorp
Classification: Pathogenic for Camptomelic dysplasia. Last evaluated: 2023-02-21. Review status: criteria provided, single submitter. Criteria: Invitae Variant Classification Sherloc (09022015). Collection method: clinical testing. Allele origin: germline.
Comment: For these reasons, this variant has been classified as Pathogenic. This sequence change results in a frameshift in the SOX9 gene (p.Ile480Hisfs*98). While this is not anticipated to result in nonsense mediated decay, it is expected to disrupt the last 30 amino acid(s) of the SOX9 protein and extend the protein by 67 additional amino acid residues. This variant is not present in population databases (gnomAD no frequency). This variant has not been reported in the literature in individuals affected with SOX9-related conditions. This variant results in an extension of the SOX9 protein. Other variant(s) that result in a similarly extended protein product (p.Arg508Hisfs*71) have been determined to be pathogenic (PMID: 7485151). This suggests that these extensions are likely to be disease-causing.

Literature cited by the submitters: PubMed 7485151 (cited by Labcorp Genetics (formerly Invitae), Labcorp).